The following is an entry in ClinVar:

ClinVar aggregate classification (germline): Uncertain significance. Review status: criteria provided, multiple submitters, no conflicts (2 of 4 stars). 2 submissions from 2 submitters: Uncertain significance (2). Last evaluated 2026-03-17.

Conditions:
Asphyxiating thoracic dystrophy 3. Also called: SHORT-RIB THORACIC DYSPLASIA 3/6 WITH POLYDACTYLY, DIGENIC; Short rib polydactyly syndrome 2B; SHORT-RIB THORACIC DYSPLASIA 3 WITH OR WITHOUT POLYDACTYLY; POLYDACTYLY WITH NEONATAL CHONDRODYSTROPHY, TYPE I; Saldino-Noonan Syndrome. Identifiers: Orphanet 474, Orphanet 93269, Orphanet 93270, Orphanet 93271, MedGen C0036069, MONDO:0013127, OMIM 613091.

gnomAD v4.1: 11 of 1,549,848 alleles (0.00071%); highest among the groups gnomAD compares: Non-Finnish European, 0.00087%; no homozygotes.

Submissions (2):

Myriad Genetics, Inc.
Classification: Uncertain significance for Asphyxiating thoracic dystrophy 3. Last evaluated: 2026-03-17. Review status: criteria provided, single submitter. Criteria: Myriad Autosomal Dominant, Autosomal Recessive and X-Linked Classification Criteria (2023). Collection method: clinical testing. Allele origin: unknown.
Comment: NM_001377.2(DYNC2H1):c.2819-14A>G is an intronic variant classified as a variant of uncertain significance in the context of DYNC2H1-related disorders. c.2819-14A>G has been observed in a case with relevant disease (PMID: 24961629). Relevant functional assessments of this variant are not available in the literature. c.2819-14A>G has been observed in referenced population frequency databases. In summary, there is insufficient evidence to classify NM_001377.2(DYNC2H1):c.2819-14A>G as pathogenic or benign. Please note: this variant was assessed in the context of healthy population screening.

Women's Health and Genetics/Laboratory Corporation of America, LabCorp
Classification: Uncertain significance. Last evaluated: 2024-10-11. Review status: criteria provided, single submitter. Criteria: LabCorp Variant Classification Summary - May 2015. Collection method: clinical testing. Allele origin: germline.
Comment: Variant summary: DYNC2H1 c.2819-14A>G alters a non-conserved nucleotide located at a position not widely known to affect splicing. Several computational tools predict a significant impact on normal splicing: Four predict the variant creates a cryptic 3' acceptor site. One predicts the variant weakens the canonical 3' acceptor site. However, these predictions have yet to be confirmed by functional studies. The variant allele was found at a frequency of 6.2e-06 in 160532 control chromosomes (gnomAD). The available data on variant occurrences in the general population are insufficient to allow any conclusion about variant significance. c.2819-14A>G has been reported in the literature in a couple with several fetuses affected with short-rib polydactyly who potentially were compound heterozygous with a likely pathogenic variant also found in the couple, however cosegregation of the variants with disease in the fetuses was not shown (Ellard_2015). This report does not provide unequivocal conclusions about association of the variant with Short-rib thoracic dysplasia. To our knowledge, no experimental evidence demonstrating an impact on protein function has been reported. The following publication has been ascertained in the context of this evaluation (PMID: 24961629). No submitters have cited clinical-significance assessments for this variant to ClinVar. Based on the evidence outlined above, the variant was classified as uncertain significance.

Literature cited by the submitters: PubMed 24961629 (cited by Myriad Genetics, Inc. and Women's Health and Genetics/Laboratory Corporation of America, LabCorp).

NM_001377.3(DYNC2H1):c.2819-14A>G

Gene: DYNC2H1 (dynein cytoplasmic 2 heavy chain 1; plus strand). Cytogenetic location: 11q22.3.
Variant type: single nucleotide variant.
Coding change: c.2819-14A>G on transcript NM_001377.3 (MANE Select); 14 bases into the intron before coding-DNA position 2819, A replaced by G.
Molecular consequence: intron variant.
Genome position (GRCh38, 1-based): chr11:103,148,476, A>G. VCF-style: chr11-103148476-A-G. GRCh37 (hg19) VCF-style: chr11-103019205-A-G.
Other names: c.2819-14A>G (NM_001080463.2).
Identifiers: ClinVar variation 3384752 (VCV003384752.2).
Genomic context (GRCh38, chr11:103,148,476, plus strand): 5'-ATTTAGAAATTATGTAACTTAGTATTTTTGATGGTAATAATTAACATTTCTTGTATTTCA[A>G]TGTTACCACTCAGCTCATTTACATGAAATTGATACATTTGTTACTGAGGCTATGGAAGTC-3'